The following is an entry in ClinVar:

NM_001165963.4(SCN1A):c.2176+3T>A

Gene: SCN1A (sodium voltage-gated channel alpha subunit 1; minus strand). Cytogenetic location: 2q24.3.
Variant type: single nucleotide variant.
Coding change: c.2176+3T>A on transcript NM_001165963.4 (MANE Select); 3 bases into the intron after coding-DNA position 2176, T replaced by A.
Molecular consequence: intron variant.
Genome position (GRCh38, 1-based): chr2:166,042,289, A>T on the plus strand (T>A on the coding strand, the complement: SCN1A is on the minus strand). VCF-style: chr2-166042289-A-T. GRCh37 (hg19) VCF-style: chr2-166898799-A-T.
Other names: c.2143+3T>A (NM_001353949.2, NM_001353950.2, NM_001353951.2 and 2 more transcripts); c.2092+3T>A (NM_001353958.2, NM_001353957.2, NM_001165964.3); c.2176+3T>A (NM_001202435.3, NM_001353948.2); c.2140+3T>A (NM_001353955.2, NM_001353954.2); c.2089+3T>A (NM_001353960.2); c.-283+3T>A (NM_001353961.2).
Identifiers: ClinVar variation 189958 (VCV000189958.1), dbSNP rs794726795, ClinGen allele CA303407.

ClinVar aggregate classification (germline): Pathogenic (1 of 4 stars; one submission).

Conditions:
Severe myoclonic epilepsy in infancy (DRVT). Also called: Epileptic encephalopathy, early infantile, 6 (Dravet syndrome); SEVERE MYOCLONIC EPILEPSY OF INFANCY; DEVELOPMENTAL AND EPILEPTIC ENCEPHALOPATHY 6A; Severe Myoclonic Epilepsy in Infancy (SMEI); Dravet syndrome. Identifiers: Orphanet 33069, MedGen C0751122, MONDO:0100135, OMIM 607208.

Submission:

Center for Bioinformatics, Peking University
Classification: Pathogenic for Dravet syndrome. Last evaluated: 2014-12-20. Review status: criteria provided, single submitter. Criteria: Xu et al. (Hum Mutat. 2015). Collection method: research. Allele origin: de novo. Affected: yes. Observed: 1 variant allele. Study: University Clinical Cooperation “985 Project” PKU-2014-1-1.
Comment: Dravet syndrome (DS) probands were recruited from the outpatient and inpatient child neurology units of Peking University First Hospital from 2005 till present. The study was approved by the Ethics Committee of Peking University First Hospital and the Institutional Review Board at Peking University. Participants or their parents provided written informed consent before enrollment. We collected a total of 267 mutations from 255 families with probands diagnosed with DS in China. All probands fulfilled the clinical diagnostic criteria.